The following is an entry in ClinVar:

ClinVar aggregate classification (germline): Likely benign. Review status: criteria provided, single submitter (1 of 4 stars). 2 submissions from 2 submitters: Likely benign (1). 1 of the submissions does not count toward it. Last evaluated 2022-04-16.

Conditions:
Bardet-Biedl syndrome (BBS). Identifiers: Orphanet 110, MedGen C0752166, MONDO:0015229.
BBS12-related disorder. Also called: BBS12-related condition.

Submissions (2):

Labcorp Genetics (formerly Invitae), Labcorp
Classification: Likely benign for Bardet-Biedl syndrome. Last evaluated: 2022-04-16. Review status: criteria provided, single submitter. Criteria: Invitae Variant Classification Sherloc (09022015). Collection method: clinical testing. Allele origin: germline.

PreventionGenetics, part of Exact Sciences
Classification: Likely benign for BBS12-related condition. Last evaluated: 2021-01-26. Review status: no assertion criteria provided. Collection method: clinical testing. Allele origin: germline. Not counted in ClinVar's aggregate classification.
Comment: This variant is classified as likely benign based on ACMG/AMP sequence variant interpretation guidelines (Richards et al. 2015 PMID: 25741868, with internal and published modifications).

NM_152618.3(BBS12):c.147A>G (p.Leu49=)

Gene: BBS12 (Bardet-Biedl syndrome 12; plus strand). Cytogenetic location: 4q27.
Variant type: single nucleotide variant.
Coding change: c.147A>G on transcript NM_152618.3 (MANE Select); coding-DNA position 147, A replaced by G.
Protein change: p.Leu49=; no amino-acid change (leucine 49 retained).
Molecular consequence: synonymous variant.
Genome position (GRCh38, 1-based): chr4:122,742,039, A>G. VCF-style: chr4-122742039-A-G. GRCh37 (hg19) VCF-style: chr4-123663194-A-G.
Other names: c.147A>G, p.Leu49= (NM_001178007.2); c.147A>G (NM_152618.2).
Identifiers: ClinVar variation 2127096 (VCV002127096.5), dbSNP rs2485071785, ClinGen allele CA441120329.